The following is an entry in ClinVar:

NM_000088.4(COL1A1):c.619dup (p.Glu207fs)

Gene: COL1A1 (collagen type I alpha 1 chain; minus strand). Cytogenetic location: 17q21.33.
Variant type: Duplication.
Coding change: c.619dup on transcript NM_000088.4 (MANE Select); coding-DNA position 619, one base duplicated (G; older notation c.619dupG).
Protein change: p.Glu207fs; shifts the reading frame from glutamic acid 207.
Molecular consequence: frameshift variant.
Genome position (GRCh38, 1-based): chr17:50,197,972, C duplicated on the plus strand (G on the coding strand, the reverse complement: COL1A1 is on the minus strand). VCF-style (leftmost placement, unchanged base first): chr17-50197971-T-TC. GRCh37 (hg19) VCF-style: chr17-48275332-T-TC.
Other names: short protein forms E207fs.
Identifiers: ClinVar variation 2771075 (VCV002771075.3), dbSNP rs2509246788, ClinGen allele CA2697560378.
Genomic context (GRCh38, chr17:50,197,971, plus strand): 5'-TTGTAGAAGGAGTATGAATCTGTATAGAGAGTGCTTACTGAAGCTCCAGGCTCGCCAGGC[T>TC]CACCAGGGGGACCTTGGAAGCCTTGGGGACCCTTGAGAAGAAGGAAAAAGATGGGTTAGA-3'

ClinVar aggregate classification (germline): Pathogenic (1 of 4 stars; one submission).

Conditions:
Osteogenesis imperfecta type I (OI1). Also called: Classic Non-deforming Osteogenesis Imperfecta with Blue Sclerae; OI, TYPE I; OSTEOGENESIS IMPERFECTA TARDA; OSTEOGENESIS IMPERFECTA WITH BLUE SCLERAE; Osteogenesis imperfecta type 1; Lobstein's Disease. Identifiers: Orphanet 216796, Orphanet 666, MedGen C0023931, MONDO:0008146, OMIM 166200. Disease mechanism: loss of function.

Submission:

Labcorp Genetics (formerly Invitae), Labcorp
Classification: Pathogenic for Osteogenesis imperfecta type I. Last evaluated: 2023-11-20. Review status: criteria provided, single submitter. Criteria: Invitae Variant Classification Sherloc (09022015). Collection method: clinical testing. Allele origin: germline.
Comment: This sequence change creates a premature translational stop signal (p.Glu207Glyfs*26) in the COL1A1 gene. It is expected to result in an absent or disrupted protein product. Loss-of-function variants in COL1A1 are known to be pathogenic (PMID: 7942841, 9295084, 9443882). This variant is not present in population databases (gnomAD no frequency). This variant has not been reported in the literature in individuals affected with COL1A1-related conditions. For these reasons, this variant has been classified as Pathogenic.

Literature cited by the submitters: PubMed 7942841; PubMed 9295084; PubMed 9443882.